The following is an entry in ClinVar:

ClinVar aggregate classification (germline): Uncertain significance (1 of 4 stars; one submission).

Conditions:
Cardiomyopathy (CMYO). Also called: Cardiomyopathies. Identifiers: Orphanet 167848, MedGen C0878544, MONDO:0004994, HP:0001638. Inheritance: Various modes of inheritance.

Submission:

All of Us Research Program, National Institutes of Health
Classification: Uncertain significance for Cardiomyopathy. Last evaluated: 2023-11-07. Review status: criteria provided, single submitter. Criteria: ACMG Guidelines, 2015. Collection method: clinical testing. Allele origin: germline. Inheritance: Autosomal dominant inheritance. Observed: 1 variant allele, 1 heterozygote.
Comment: This study involves interpretation of variants in research participants for the purpose of population health screening. Participant phenotype was not available at the time of variant classification. Additional details can be found in publication PMID: 35346344, PMCID: PMC8962531

NM_000257.4(MYH7):c.3394G>A (p.Val1132Met)

Gene: MYH7 (myosin heavy chain 7; minus strand). Cytogenetic location: 14q11.2.
Variant type: single nucleotide variant.
Coding change: c.3394G>A on transcript NM_000257.4 (MANE Select); coding-DNA position 3394, G replaced by A.
Protein change: p.Val1132Met; replaces valine 1132 with methionine.
Molecular consequence: missense variant.
Genome position (GRCh38, 1-based): chr14:23,420,177, C>T on the plus strand (G>A on the coding strand, the complement: MYH7 is on the minus strand). VCF-style: chr14-23420177-C-T. GRCh37 (hg19) VCF-style: chr14-23889386-C-T.
Other names: c.3394G>A, p.Val1132Met (NM_001407004.1); short protein forms V1132M.
Identifiers: ClinVar variation 3072409 (VCV003072409.1), dbSNP rs2502265170, ClinGen allele CA389044032.